The following is an entry in ClinVar:

NM_014908.4(DOLK):c.964C>T (p.Arg322Trp)

Gene: DOLK (dolichol kinase; minus strand). Cytogenetic location: 9q34.11.
Variant type: single nucleotide variant.
Coding change: c.964C>T on transcript NM_014908.4 (MANE Select); coding-DNA position 964, C replaced by T.
Protein change: p.Arg322Trp; replaces arginine 322 with tryptophan.
Molecular consequence: missense variant.
Genome position (GRCh38, 1-based): chr9:128,946,340, G>A on the plus strand (C>T on the coding strand, the complement: DOLK is on the minus strand). VCF-style: chr9-128946340-G-A. GRCh37 (hg19) VCF-style: chr9-131708619-G-A.
Other names: short protein forms R322W.
Identifiers: ClinVar variation 1208984 (VCV001208984.10), dbSNP rs1350623268, ClinGen allele CA375121269.

ClinVar aggregate classification (germline): Uncertain significance. Review status: criteria provided, multiple submitters, no conflicts (2 of 4 stars). 3 submissions from 3 submitters: Uncertain significance (3). Last evaluated 2025-05-24.

Conditions:
DK1-congenital disorder of glycosylation. Also called: DK1-CDG; DOLK-congenital disorder of glycosylation; Carbohydrate deficient glycoprotein syndrome type 1m; CONGENITAL DISORDER OF GLYCOSYLATION, TYPE Im; CDG Im; DK1 DEFICIENCY. Identifiers: Orphanet 91131, MedGen C1835849, MONDO:0012556, OMIM 610768.
Cardiovascular phenotype. Identifiers: MedGen CN230736.

Allele frequency attached by ClinVar (database versions not stated): gnomAD exomes below 0.00001 and 0.00001.

Submissions (3):

Ambry Genetics
Classification: Uncertain significance for Cardiovascular phenotype. Last evaluated: 2025-05-24. Review status: criteria provided, single submitter. Criteria: Ambry Variant Classification Scheme 2023. Collection method: clinical testing. Allele origin: germline.
Comment: The p.R322W variant (also known as c.964C>T), located in coding exon 1 of the DOLK gene, results from a C to T substitution at nucleotide position 964. The arginine at codon 322 is replaced by tryptophan, an amino acid with dissimilar properties. This amino acid position is conserved. In addition, this alteration is predicted to be deleterious by in silico analysis. Based on the available evidence, the clinical significance of this variant remains unclear.

Labcorp Genetics (formerly Invitae), Labcorp
Classification: Uncertain significance for DK1-congenital disorder of glycosylation. Last evaluated: 2025-04-17. Review status: criteria provided, single submitter. Criteria: Invitae Variant Classification Sherloc (09022015). Collection method: clinical testing. Allele origin: germline.
Comment: This sequence change replaces arginine, which is basic and polar, with tryptophan, which is neutral and slightly polar, at codon 322 of the DOLK protein (p.Arg322Trp). This variant is present in population databases (no rsID available, gnomAD 0.003%). This variant has not been reported in the literature in individuals affected with DOLK-related conditions. ClinVar contains an entry for this variant (Variation ID: 1208984). An algorithm developed to predict the effect of missense changes on protein structure and function (PolyPhen-2) suggests that this variant is likely to be disruptive. In summary, the available evidence is currently insufficient to determine the role of this variant in disease. Therefore, it has been classified as a Variant of Uncertain Significance.

GeneDx
Classification: Uncertain significance. Last evaluated: 2020-03-30. Review status: criteria provided, single submitter. Criteria: GeneDx Variant Classification Process June 2021. Collection method: clinical testing. Allele origin: germline. Affected: yes.
Comment: Not observed at a significant frequency in large population cohorts (Lek et al., 2016); In silico analysis supports that this missense variant has a deleterious effect on protein structure/function; Has not been previously published as pathogenic or benign to our knowledge